The following is an entry in ClinVar:

ClinVar aggregate classification (germline): Likely benign. Review status: criteria provided, multiple submitters, no conflicts (2 of 4 stars). 2 submissions from 2 submitters: Likely benign (2). Last evaluated 2026-04-30.

Conditions:
LRSAM1-related disorder. Also called: LRSAM1-related condition.
Charcot-Marie-Tooth disease. Also called: Charcot-Marie-Tooth Neuropathy; Charcot-Marie-Tooth Hereditary Neuropathy. Identifiers: Orphanet 166, MedGen C0007959, MONDO:0015626.

Allele frequency attached by ClinVar (database versions not stated): gnomAD exomes below 0.00001 and 0.00001; ExAC 0.00001; gnomAD 0.00001; TOPMed 0.00001; ESP Exome Variant Server 0.00008.

Submissions (2):

PreventionGenetics, part of Exact Sciences
Classification: Likely benign for LRSAM1-related condition. Last evaluated: 2026-04-30. Review status: criteria provided, single submitter. Criteria: ACMG Guidelines, 2015. Collection method: clinical testing. Allele origin: germline.
Comment: This variant is classified as likely benign based on ACMG/AMP sequence variant interpretation guidelines (Richards et al. 2015 PMID: 25741868, with internal and published modifications).

Molecular Genetics Laboratory, London Health Sciences Centre
Classification: Likely benign for Charcot-Marie-Tooth disease. Review status: criteria provided, single submitter. Criteria: ACMG Guidelines, 2015. Collection method: clinical testing. Allele origin: germline. Affected: yes.

NM_001005373.4(LRSAM1):c.330C>T (p.Asn110=)

Gene: LRSAM1 (leucine rich repeat and sterile alpha motif containing 1; plus strand). Cytogenetic location: 9q33.3.
Variant type: single nucleotide variant.
Coding change: c.330C>T on transcript NM_001005373.4 (MANE Select); coding-DNA position 330, C replaced by T.
Protein change: p.Asn110=; no amino-acid change (asparagine 110 retained).
Molecular consequence: synonymous variant. On other transcripts: 5 prime UTR variant (1), non-coding transcript variant (2).
Genome position (GRCh38, 1-based): chr9:127,461,181, C>T. VCF-style: chr9-127461181-C-T. GRCh37 (hg19) VCF-style: chr9-130223460-C-T.
Other names: c.330C>T, p.Asn110= (NM_001005374.4, NM_001190723.3, NM_001384142.1 and 2 more transcripts); c.-455C>T (NM_001384144.1).
Identifiers: ClinVar variation 916769 (VCV000916769.2), dbSNP rs374848673, ClinGen allele CA5246513.